The following is an entry in ClinVar:

ClinVar aggregate classification (germline): Likely benign. Review status: criteria provided, multiple submitters, no conflicts (2 of 4 stars). 6 submissions from 6 submitters: Likely benign (6). Last evaluated 2026-08-01.

Conditions:
Cardiovascular phenotype. Identifiers: MedGen CN230736.
Distal myopathy with posterior leg and anterior hand involvement. Also called: WILLIAMS DISTAL MYOPATHY. Identifiers: Orphanet 63273, MedGen C3279722, MONDO:0013550, OMIM 614065.
Hypertrophic cardiomyopathy 26. Also called: Cardiomyopathy, familial hypertrophic, 26. Identifiers: Orphanet 75249, MedGen C4310749, MONDO:0014883, OMIM 617047.
Myofibrillar myopathy 5. Also called: Filaminopathy (type); FILAMINOPATHY, AUTOSOMAL DOMINANT. Identifiers: Orphanet 171445, MedGen C1836050, MONDO:0012289, OMIM 609524.

Allele frequency attached by ClinVar (database versions not stated): TOPMed 0.00011; ESP Exome Variant Server 0.00016.
gnomAD v4.1: 235 of 1,613,590 alleles (0.015%); highest among the groups gnomAD compares: Admixed American, 0.012%; no homozygotes.

Submissions (6):

CeGaT Center for Human Genetics Tuebingen
Classification: Likely benign. Last evaluated: 2026-08-01. Review status: criteria provided, single submitter. Criteria: CeGaT Center For Human Genetics Tuebingen Variant Classification Criteria Version 2. Collection method: clinical testing. Allele origin: germline. Affected: yes. Observed: 20 variant alleles.
Comment: FLNC: BP4, BP7

Molecular Diagnostic Laboratory for Inherited Cardiovascular Disease, Montreal Heart Institute
Classification: Likely benign. Last evaluated: 2026-03-27. Review status: criteria provided, single submitter. Criteria: ACMG Guidelines, 2015. Collection method: clinical testing. Allele origin: germline. Affected: no.
Comment: BP7

Labcorp Genetics (formerly Invitae), Labcorp
Classification: Likely benign for Distal myopathy with posterior leg and anterior hand involvement; Myofibrillar myopathy 5; Hypertrophic cardiomyopathy 26. Last evaluated: 2026-02-03. Review status: criteria provided, single submitter. Criteria: Invitae Variant Classification Sherloc (09022015). Collection method: clinical testing. Allele origin: germline.

Blueprint Genetics
Classification: Likely benign. Last evaluated: 2024-11-18. Review status: criteria provided, single submitter. Criteria: ACMG Guidelines, 2015. Collection method: clinical testing. Allele origin: germline.

GeneDx
Classification: Likely benign. Last evaluated: 2021-04-16. Review status: criteria provided, single submitter. Criteria: GeneDx Variant Classification Process June 2021. Collection method: clinical testing. Allele origin: germline. Affected: yes.

Ambry Genetics
Classification: Likely benign for Cardiovascular phenotype. Last evaluated: 2019-08-16. Review status: criteria provided, single submitter. Criteria: Ambry Variant Classification Scheme 2023. Collection method: clinical testing. Allele origin: germline.

NM_001458.5(FLNC):c.2142C>T (p.Ile714=)

Genes: FLNC (filamin C; plus strand), LOC129999273 (ATAC-STARR-seq lymphoblastoid silent region 18616; plus strand). Cytogenetic location: 7q32.1.
Variant type: single nucleotide variant.
Coding change: c.2142C>T on transcript NM_001458.5 (MANE Select); coding-DNA position 2142, C replaced by T.
Protein change: p.Ile714=; no amino-acid change (isoleucine 714 retained).
Molecular consequence: synonymous variant.
Genome position (GRCh38, 1-based): chr7:128,842,251, C>T. VCF-style: chr7-128842251-C-T. GRCh37 (hg19) VCF-style: chr7-128482305-C-T.
Other names: c.2142C>T, p.Ile714= (NM_001127487.2).
Identifiers: ClinVar variation 471996 (VCV000471996.44), dbSNP rs199595235, ClinGen allele CA4474618.